The following is an entry in ClinVar:

NM_145290.4(ADGRA3):c.1730G>A (p.Arg577Gln)

Gene: ADGRA3 (adhesion G protein-coupled receptor A3; minus strand). Cytogenetic location: 4p15.2.
Variant type: single nucleotide variant.
Coding change: c.1730G>A on transcript NM_145290.4 (MANE Select); coding-DNA position 1730, G replaced by A.
Protein change: p.Arg577Gln; replaces arginine 577 with glutamine.
Molecular consequence: missense variant.
Genome position (GRCh38, 1-based): chr4:22,420,965, C>T on the plus strand (G>A on the coding strand, the complement: ADGRA3 is on the minus strand). VCF-style: chr4-22420965-C-T. GRCh37 (hg19) VCF-style: chr4-22422588-C-T.
Other names: short protein forms R577Q.
Identifiers: ClinVar variation 2285806 (VCV002285806.5), dbSNP rs778250454, ClinGen allele CA2873856.

ClinVar aggregate classification (germline): Uncertain significance. Review status: criteria provided, multiple submitters, no conflicts (2 of 4 stars). 2 submissions from 2 submitters: Uncertain significance (2). Last evaluated 2023-02-14.

Allele frequency attached by ClinVar (database versions not stated): ExAC 0.00001; gnomAD exomes 0.00001; gnomAD 0.00002; TOPMed 0.00002.
gnomAD v4.1: 24 of 1,613,882 alleles (0.0015%); highest among the groups gnomAD compares: Middle Eastern, 0.016%; no homozygotes.

Submissions (2):

Labcorp Genetics (formerly Invitae), Labcorp
Classification: Uncertain significance. Last evaluated: 2023-02-14. Review status: criteria provided, single submitter. Criteria: Invitae Variant Classification Sherloc (09022015). Collection method: clinical testing. Allele origin: germline.
Comment: This variant has not been reported in the literature in individuals affected with ADGRA3-related conditions. Algorithms developed to predict the effect of missense changes on protein structure and function are either unavailable or do not agree on the potential impact of this missense change (SIFT: "Deleterious"; PolyPhen-2: "Benign"; Align-GVGD: "Class C0"). In summary, the available evidence is currently insufficient to determine the role of this variant in disease. Therefore, it has been classified as a Variant of Uncertain Significance. This variant is present in population databases (rs778250454, gnomAD 0.005%). This sequence change replaces arginine, which is basic and polar, with glutamine, which is neutral and polar, at codon 577 of the ADGRA3 protein (p.Arg577Gln).

Ambry Genetics
Classification: Uncertain significance. Last evaluated: 2022-04-25. Review status: criteria provided, single submitter. Criteria: Ambry Variant Classification Scheme 2023. Collection method: clinical testing. Allele origin: germline.